The following is an entry in ClinVar:

NM_001844.5(COL2A1):c.4149G>A (p.Thr1383=)

Gene: COL2A1 (collagen type II alpha 1 chain; minus strand). Cytogenetic location: 12q13.11.
Variant type: single nucleotide variant.
Coding change: c.4149G>A on transcript NM_001844.5 (MANE Select); coding-DNA position 4149, G replaced by A.
Protein change: p.Thr1383=; no amino-acid change (threonine 1383 retained).
Molecular consequence: synonymous variant.
Genome position (GRCh38, 1-based): chr12:47,974,257, C>T on the plus strand (G>A on the coding strand, the complement: COL2A1 is on the minus strand). VCF-style: chr12-47974257-C-T. GRCh37 (hg19) VCF-style: chr12-48368040-C-T.
Other names: c.3942G>A, p.Thr1314= (NM_033150.3).
Identifiers: ClinVar variation 1038958 (VCV001038958.12), dbSNP rs750227063, ClinGen allele CA6534524.

ClinVar aggregate classification (germline): Conflicting classifications of pathogenicity. Review status: criteria provided, conflicting classifications (1 of 4 stars). 3 submissions from 3 submitters: Uncertain significance (2); Likely benign (1). Last evaluated 2025-04-02.

Conditions:
COL2A1-related disorder. Also called: COL2A1-related condition; COL2A1-related disorders.

Allele frequency attached by ClinVar (database versions not stated): ExAC 0.00002; gnomAD exomes 0.00002 and 0.00008; gnomAD 0.00004 and 0.00005; TOPMed 0.00005.
gnomAD v4.1: 117 of 1,614,066 alleles (0.0072%); highest among the groups gnomAD compares: Middle Eastern, 0.016%; no homozygotes.

Submissions (3):

Labcorp Genetics (formerly Invitae), Labcorp
Classification: Likely benign. Last evaluated: 2025-04-02. Review status: criteria provided, single submitter. Criteria: Invitae Variant Classification Sherloc (09022015). Collection method: clinical testing. Allele origin: germline.

PreventionGenetics, part of Exact Sciences
Classification: Uncertain significance for COL2A1-related condition. Last evaluated: 2024-12-09. Review status: criteria provided, single submitter. Criteria: ACMG Guidelines, 2015. Collection method: clinical testing. Allele origin: germline.
Comment: The COL2A1 c.4149G>A variant is not predicted to result in an amino acid change (p.=). To our knowledge, this variant has not been reported in the literature. This variant is reported in 0.011% of alleles in individuals of East Asian descent in gnomAD. Although we suspect that this variant may be benign, at this time, the clinical significance of this variant is uncertain due to the absence of conclusive functional and genetic evidence.

GeneDx
Classification: Uncertain significance. Last evaluated: 2022-08-24. Review status: criteria provided, single submitter. Criteria: GeneDx Variant Classification Process June 2021. Collection method: clinical testing. Allele origin: germline. Affected: yes.
Comment: Has not been previously published as pathogenic or benign to our knowledge; In silico analysis suggests this variant may impact gene splicing. In the absence of RNA/functional studies, the actual effect of this sequence change is unknown.